The following is an entry in ClinVar:

ClinVar aggregate classification (germline): Uncertain significance. Review status: criteria provided, multiple submitters, no conflicts (2 of 4 stars). 2 submissions from 2 submitters: Uncertain significance (2). Last evaluated 2025-12-11.

Allele frequency attached by ClinVar (database versions not stated): gnomAD 0.00001; gnomAD exomes 0.00001; ExAC 0.00003.

Submissions (2):

Labcorp Genetics (formerly Invitae), Labcorp
Classification: Uncertain significance. Last evaluated: 2025-12-11. Review status: criteria provided, single submitter. Criteria: Invitae Variant Classification Sherloc (09022015). Collection method: clinical testing. Allele origin: germline.
Comment: This sequence change replaces methionine, which is neutral and non-polar, with isoleucine, which is neutral and non-polar, at codon 167 of the TERF2IP protein (p.Met167Ile). The frequency data for this variant in the population databases is considered unreliable, as metrics indicate poor data quality at this position in the gnomAD database. This variant has not been reported in the literature in individuals affected with TERF2IP-related conditions. ClinVar contains an entry for this variant (Variation ID: 2447533). An algorithm developed to predict the effect of missense changes on protein structure and function (PolyPhen-2) suggests that this variant is likely to be tolerated. In summary, the available evidence is currently insufficient to determine the role of this variant in disease. Therefore, it has been classified as a Variant of Uncertain Significance.

Ambry Genetics
Classification: Uncertain significance. Last evaluated: 2023-01-16. Review status: criteria provided, single submitter. Criteria: Ambry Variant Classification Scheme 2023. Collection method: clinical testing. Allele origin: germline.
Comment: The p.M167I variant (also known as c.501G>A), located in coding exon 1 of the TERF2IP gene, results from a G to A substitution at nucleotide position 501. The methionine at codon 167 is replaced by isoleucine, an amino acid with highly similar properties. This amino acid position is conserved. In addition, this alteration is predicted to be tolerated by in silico analysis. Since supporting evidence is limited at this time, the clinical significance of this alteration remains unclear.

NM_018975.4(TERF2IP):c.501G>A (p.Met167Ile)

Gene: TERF2IP (TERF2 interacting protein; plus strand). Cytogenetic location: 16q23.1.
Variant type: single nucleotide variant.
Coding change: c.501G>A on transcript NM_018975.4 (MANE Select); coding-DNA position 501, G replaced by A.
Protein change: p.Met167Ile; replaces methionine 167 with isoleucine.
Molecular consequence: missense variant. On other transcripts: non-coding transcript variant (1).
Genome position (GRCh38, 1-based): chr16:75,648,383, G>A. VCF-style: chr16-75648383-G-A. GRCh37 (hg19) VCF-style: chr16-75682281-G-A.
Other names: short protein forms M167I.
Identifiers: ClinVar variation 2447533 (VCV002447533.3), dbSNP rs751363010, ClinGen allele CA8178003.